The following is an entry in ClinVar:

NM_001033046.4(CYBC1):c.86-55A>G

Gene: CYBC1 (cytochrome b-245 chaperone 1; minus strand). Cytogenetic location: 17q25.3.
Variant type: single nucleotide variant.
Coding change: c.86-55A>G on transcript NM_001033046.4 (MANE Select); 55 bases into the intron before coding-DNA position 86, A replaced by G.
Molecular consequence: intron variant.
Genome position (GRCh38, 1-based): chr17:82,447,676, T>C on the plus strand (A>G on the coding strand, the complement: CYBC1 is on the minus strand). VCF-style: chr17-82447676-T-C. GRCh37 (hg19) VCF-style: chr17-80405552-T-C.
Other names: c.86-980A>G (NM_001100408.3); c.86-55A>G (NM_001100407.3, NM_001193657.2, NM_001193654.2 and 2 more transcripts).
Identifiers: ClinVar variation 1222814 (VCV001222814.6), dbSNP rs3751913, ClinGen allele CA8858398.

ClinVar aggregate classification (germline): Benign. Review status: criteria provided, multiple submitters, no conflicts (2 of 4 stars). 3 submissions from 3 submitters: Benign (3). Last evaluated 2024-01-24.

Allele frequency attached by ClinVar (database versions not stated): gnomAD exomes 0.14651 and 0.19458; ESP Exome Variant Server 0.16513; gnomAD 0.18681 and 0.18957; TOPMed 0.20012; ExAC 0.20829; 1000 Genomes Project 0.24800; 1000 Genomes Project 30x 0.25094.
gnomAD v4.1: 227,410 of 1,505,866 alleles (15%); highest among the groups gnomAD compares: Admixed American, 32%; 19,578 homozygotes.

Submissions (3):

Unidad de Genómica Garrahan, Hospital de Pediatría Garrahan
Classification: Benign. Last evaluated: 2024-01-24. Review status: criteria provided, single submitter. Criteria: ACMG Guidelines, 2015. Collection method: clinical testing. Allele origin: germline. Affected: no. Observed: 47 variant alleles.
Comment: This variant is classified as Benign based on local population frequency. This variant was detected in 49% of patients studied by a panel of primary immunodeficiencies. Number of patients: 47. Only high quality variants are reported.

GeneDx
Classification: Benign. Last evaluated: 2021-05-10. Review status: criteria provided, single submitter. Criteria: GeneDx Variant Classification Process June 2021. Collection method: clinical testing. Allele origin: germline. Affected: yes.

Breakthrough Genomics
Classification: Benign. Review status: criteria provided, single submitter. Criteria: ACMG Guidelines, 2015. Collection method: not provided. Allele origin: germline. Inheritance: Autosomal recessive inheritance. Affected: yes.